The following is an entry in ClinVar:

ClinVar aggregate classification (germline): Likely benign (1 of 4 stars; one submission).

Allele frequency attached by ClinVar (database versions not stated): ESP Exome Variant Server 0.00024; gnomAD 0.00031; gnomAD exomes 0.00035; TOPMed 0.00035; ExAC 0.00083.
gnomAD v4.1: 545 of 1,579,856 alleles (0.034%); highest among the groups gnomAD compares: Admixed American, 0.055%; no homozygotes.

Submission:

CeGaT Center for Human Genetics Tuebingen
Classification: Likely benign. Last evaluated: 2022-11-01. Review status: criteria provided, single submitter. Criteria: CeGaT Center For Human Genetics Tuebingen Variant Classification Criteria Version 2. Collection method: clinical testing. Allele origin: germline. Affected: yes. Observed: 1 variant allele.
Comment: MYO1F: BP4, BP7

NM_012335.4(MYO1F):c.2718T>C (p.Val906=)

Gene: MYO1F (myosin IF; minus strand). Cytogenetic location: 19p13.2.
Variant type: single nucleotide variant.
Coding change: c.2718T>C on transcript NM_012335.4 (MANE Select); coding-DNA position 2718, T replaced by C.
Protein change: p.Val906=; no amino-acid change (valine 906 retained).
Molecular consequence: synonymous variant.
Genome position (GRCh38, 1-based): chr19:8,526,505, A>G on the plus strand (T>C on the coding strand, the complement: MYO1F is on the minus strand). VCF-style: chr19-8526505-A-G. GRCh37 (hg19) VCF-style: chr19-8591389-A-G.
Other names: c.2706T>C, p.Val902= (NM_001348355.2).
Identifiers: ClinVar variation 2649204 (VCV002649204.24), dbSNP rs376154461, ClinGen allele CA9158817.